The following is an entry in ClinVar:

NM_006005.3(WFS1):c.650G>T (p.Gly217Val)

Gene: WFS1 (wolframin ER transmembrane glycoprotein; plus strand). Cytogenetic location: 4p16.1.
Variant type: single nucleotide variant.
Coding change: c.650G>T on transcript NM_006005.3 (MANE Select); coding-DNA position 650, G replaced by T.
Protein change: p.Gly217Val; replaces glycine 217 with valine.
Molecular consequence: missense variant.
Genome position (GRCh38, 1-based): chr4:6,291,935, G>T. VCF-style: chr4-6291935-G-T. GRCh37 (hg19) VCF-style: chr4-6293662-G-T.
Other names: c.650G>T, p.Gly217Val (NM_001145853.1); short protein forms G217V.
Identifiers: ClinVar variation 1942223 (VCV001942223.5), dbSNP rs1163821878, ClinGen allele CA356172236.

ClinVar aggregate classification (germline): Uncertain significance (1 of 4 stars; one submission).

Allele frequency attached by ClinVar (database versions not stated): gnomAD exomes below 0.00001.
gnomAD v4.1: 3 of 1,611,032 alleles (0.00019%); highest among the groups gnomAD compares: Middle Eastern, 0.017%; no homozygotes.

Submission:

Labcorp Genetics (formerly Invitae), Labcorp
Classification: Uncertain significance. Last evaluated: 2025-09-24. Review status: criteria provided, single submitter. Criteria: Invitae Variant Classification Sherloc (09022015). Collection method: clinical testing. Allele origin: germline.
Comment: This sequence change replaces glycine, which is neutral and non-polar, with valine, which is neutral and non-polar, at codon 217 of the WFS1 protein (p.Gly217Val). This variant is not present in population databases (gnomAD no frequency). This variant has not been reported in the literature in individuals affected with WFS1-related conditions. ClinVar contains an entry for this variant (Variation ID: 1942223). Invitae Evidence Modeling of protein sequence and biophysical properties (such as structural, functional, and spatial information, amino acid conservation, physicochemical variation, residue mobility, and thermodynamic stability) indicates that this missense variant is not expected to disrupt WFS1 protein function with a negative predictive value of 80%. In summary, the available evidence is currently insufficient to determine the role of this variant in disease. Therefore, it has been classified as a Variant of Uncertain Significance.